The following is an entry in ClinVar:

NM_173628.4(DNAH17):c.6669+4C>T

Genes: DNAH17 (dynein axonemal heavy chain 17; minus strand), DNAH17-AS1 (DNAH17 antisense RNA 1; plus strand). Cytogenetic location: 17q25.3.
Variant type: single nucleotide variant.
Coding change: c.6669+4C>T on transcript NM_173628.4 (MANE Select); 4 bases into the intron after coding-DNA position 6669, C replaced by T.
Molecular consequence: intron variant.
Genome position (GRCh38, 1-based): chr17:78,491,439, G>A on the plus strand (C>T on the coding strand, the complement: DNAH17 is on the minus strand). VCF-style: chr17-78491439-G-A. GRCh37 (hg19) VCF-style: chr17-76487521-G-A.
Identifiers: ClinVar variation 3048062 (VCV003048062.2), dbSNP rs375626815, ClinGen allele CA8802669.

ClinVar aggregate classification (germline): Likely benign (0 of 4 stars; one submission).

Conditions:
DNAH17-related disorder. Also called: DNAH17-related condition.

Allele frequency attached by ClinVar (database versions not stated): ExAC 0.00022; TOPMed 0.00030; gnomAD 0.00031; gnomAD exomes 0.00047; ESP Exome Variant Server 0.00064.
gnomAD v4.1: 719 of 1,612,054 alleles (0.045%); highest among the groups gnomAD compares: Non-Finnish European, 0.057%; no homozygotes.

Submission:

PreventionGenetics, part of Exact Sciences
Classification: Likely benign for DNAH17-related condition. Last evaluated: 2019-12-09. Review status: no assertion criteria provided. Collection method: clinical testing. Allele origin: germline.
Comment: This variant is classified as likely benign based on ACMG/AMP sequence variant interpretation guidelines (Richards et al. 2015 PMID: 25741868, with internal and published modifications).